The following is an entry in ClinVar:

Conditions:
Breast-ovarian cancer, familial, susceptibility to, 1 (BROVCA1). Also called: BRCA1 Hereditary Breast and Ovarian Cancer; OVARIAN CANCER, SUSCEPTIBILITY TO. Identifiers: Orphanet 145, MedGen C2676676, MONDO:0011450, OMIM 604370. Disease mechanism: loss of function.

Submission:

Brotman Baty Institute, University of Washington
No classification provided (evidence only). Condition: Breast-ovarian cancer, familial 1. Review status: no classification provided. Collection method: in vitro. Allele origin: not applicable. Functional consequence: functionally_normal.
ClinVar note: "not provided" was previously submitted as the classification for the variant. However, the classification appeared to be based only on an observation of functional data so it was converted to no classification on 2025-07-30.

NM_007294.4(BRCA1):c.135-9A>G

Gene: BRCA1 (BRCA1 DNA repair associated; minus strand). Cytogenetic location: 17q21.31.
Variant type: single nucleotide variant.
Coding change: c.135-9A>G on transcript NM_007294.4 (MANE Select); 9 bases into the intron before coding-DNA position 135, A replaced by G.
Molecular consequence: intron variant.
Genome position (GRCh38, 1-based): chr17:43,106,542, T>C on the plus strand (A>G on the coding strand, the complement: BRCA1 is on the minus strand). VCF-style: chr17-43106542-T-C. GRCh37 (hg19) VCF-style: chr17-41258559-T-C.
Other names: c.-7-9A>G (NM_001408458.1, NM_001407931.1, NM_001407747.1 and 99 more transcripts); c.-218-11682A>G (NM_001407967.1, NM_001407966.1); c.-169-1586A>G (NM_001407959.1, NM_001407962.1, NM_001408512.1 and 4 more transcripts); c.-54-9A>G (NM_001407885.1, NM_001407886.1, NM_001407898.1 and 58 more transcripts); c.135-9A>G (NM_001407686.1, NM_001408397.1, NM_001407632.1 and 167 more transcripts); c.81-1586A>G (NM_001408451.1); c.135-1586A>G (NM_001408475.1, NM_001407875.1, NM_001407659.1 and 21 more transcripts).
Identifiers: ClinVar variation 867865 (VCV000867865.3), dbSNP rs2054798558, ClinGen allele CA916080924.